The following is an entry in ClinVar:

ClinVar aggregate classification (germline): Uncertain significance (1 of 4 stars; one submission).

Conditions:
Charcot-Marie-Tooth disease type 2. Also called: Charcot-Marie-Tooth type 2. Identifiers: Orphanet 64746, MedGen C0270914, MONDO:0018993.

Submission:

Labcorp Genetics (formerly Invitae), Labcorp
Classification: Uncertain significance for Charcot-Marie-Tooth disease type 2. Last evaluated: 2025-04-08. Review status: criteria provided, single submitter. Criteria: Invitae Variant Classification Sherloc (09022015). Collection method: clinical testing. Allele origin: germline.
Comment: This sequence change replaces valine, which is neutral and non-polar, with leucine, which is neutral and non-polar, at codon 350 of the AARS protein (p.Val350Leu). This variant is not present in population databases (gnomAD no frequency). This variant has not been reported in the literature in individuals affected with AARS-related conditions. Invitae Evidence Modeling of protein sequence and biophysical properties (such as structural, functional, and spatial information, amino acid conservation, physicochemical variation, residue mobility, and thermodynamic stability) indicates that this missense variant is not expected to disrupt AARS protein function with a negative predictive value of 80%. In summary, the available evidence is currently insufficient to determine the role of this variant in disease. Therefore, it has been classified as a Variant of Uncertain Significance.

NM_001605.3(AARS1):c.1048G>C (p.Val350Leu)

Gene: AARS1 (alanyl-tRNA synthetase 1; minus strand). Cytogenetic location: 16q22.1.
Variant type: single nucleotide variant.
Coding change: c.1048G>C on transcript NM_001605.3 (MANE Select); coding-DNA position 1048, G replaced by C.
Protein change: p.Val350Leu; replaces valine 350 with leucine.
Molecular consequence: missense variant.
Genome position (GRCh38, 1-based): chr16:70,268,294, C>G on the plus strand (G>C on the coding strand, the complement: AARS1 is on the minus strand). VCF-style: chr16-70268294-C-G. GRCh37 (hg19) VCF-style: chr16-70302197-C-G.
Other names: short protein forms V350L.
Identifiers: ClinVar variation 4714020 (VCV004714020.1).